The following is an entry in ClinVar:

ClinVar aggregate classification (germline): Uncertain significance (1 of 4 stars; one submission).

Submission:

Dasa
Classification: Uncertain significance. Last evaluated: 2025-01-22. Review status: criteria provided, single submitter. Criteria: DASA Assertion Criteria. Collection method: clinical testing. Allele origin: germline.
Comment: NM_181523.3(PIK3R1):c.1564C>T (p.Gln522*) is a nonsense variant in PIK3R1 predicted to introduce a premature termination codon. This variant is absent from population databases. The currently available literature and clinical evidence are not sufficient to establish a definitive association between this variant and the reported condition. Therefore, this variant is classified as a variant of uncertain significance.

NM_181523.3(PIK3R1):c.1564C>T (p.Gln522Ter)

Gene: PIK3R1 (phosphoinositide-3-kinase regulatory subunit 1; plus strand). Cytogenetic location: 5q13.1.
Variant type: single nucleotide variant.
Coding change: c.1564C>T on transcript NM_181523.3 (MANE Select); coding-DNA position 1564, C replaced by T.
Protein change: p.Gln522Ter; replaces glutamine 522 with a stop codon.
Molecular consequence: nonsense.
Genome position (GRCh38, 1-based): chr5:68,294,674, C>T. VCF-style: chr5-68294674-C-T. GRCh37 (hg19) VCF-style: chr5-67590502-C-T.
Other names: c.475C>T, p.Gln159Ter (NM_001242466.2); c.754C>T, p.Gln252Ter (NM_181504.4); c.664C>T, p.Gln222Ter (NM_181524.2); short protein forms Q159*, Q222*, Q252*, Q522*.
Identifiers: ClinVar variation 4886706 (VCV004886706.2).